The following is an entry in ClinVar:

ClinVar aggregate classification (germline): Conflicting classifications of pathogenicity. Review status: criteria provided, conflicting classifications (1 of 4 stars). 3 submissions from 3 submitters: Uncertain significance (2); Likely benign (1). Last evaluated 2025-12-06.

Conditions:
Cardiovascular phenotype. Identifiers: MedGen CN230736.
RASopathy. Also called: rasopathies; Noonan spectrum disorder. Identifiers: Orphanet 536391, MedGen C5555857, MONDO:0021060.

Allele frequency attached by ClinVar (database versions not stated): gnomAD 0.00001.
gnomAD v4.1: 9 of 1,613,628 alleles (0.00056%); highest among the groups gnomAD compares: East Asian, 0.0067%; no homozygotes.

Submissions (3):

Labcorp Genetics (formerly Invitae), Labcorp
Classification: Uncertain significance for RASopathy. Last evaluated: 2025-12-06. Review status: criteria provided, single submitter. Criteria: Invitae Variant Classification Sherloc (09022015). Collection method: clinical testing. Allele origin: germline.
Comment: This sequence change replaces alanine, which is neutral and non-polar, with valine, which is neutral and non-polar, at codon 76 of the CBL protein (p.Ala76Val). This variant is present in population databases (no rsID available, gnomAD 0.02%). This variant has not been reported in the literature in individuals affected with CBL-related conditions. ClinVar contains an entry for this variant (Variation ID: 580455). Invitae Evidence Modeling of protein sequence and biophysical properties (such as structural, functional, and spatial information, amino acid conservation, physicochemical variation, residue mobility, and thermodynamic stability) indicates that this missense variant is not expected to disrupt CBL protein function with a negative predictive value of 95%. In summary, the available evidence is currently insufficient to determine the role of this variant in disease. Therefore, it has been classified as a Variant of Uncertain Significance.

Ambry Genetics
Classification: Uncertain significance for Cardiovascular phenotype. Last evaluated: 2025-01-25. Review status: criteria provided, single submitter. Criteria: Ambry Variant Classification Scheme 2023. Collection method: clinical testing. Allele origin: germline.
Comment: The p.A76V variant (also known as c.227C>T), located in coding exon 2 of the CBL gene, results from a C to T substitution at nucleotide position 227. The alanine at codon 76 is replaced by valine, an amino acid with similar properties. This amino acid position is conserved. In addition, the in silico prediction for this alteration is inconclusive. Based on the available evidence, the clinical significance of this variant remains unclear.

Blueprint Genetics
Classification: Likely benign. Last evaluated: 2024-04-12. Review status: criteria provided, single submitter. Criteria: ACMG Guidelines, 2015. Collection method: clinical testing. Allele origin: germline.

NM_005188.4(CBL):c.227C>T (p.Ala76Val)

Gene: CBL (Cbl proto-oncogene; plus strand). Cytogenetic location: 11q23.3.
Variant type: single nucleotide variant.
Coding change: c.227C>T on transcript NM_005188.4 (MANE Select); coding-DNA position 227, C replaced by T.
Protein change: p.Ala76Val; replaces alanine 76 with valine.
Molecular consequence: missense variant.
Genome position (GRCh38, 1-based): chr11:119,232,479, C>T. VCF-style: chr11-119232479-C-T. GRCh37 (hg19) VCF-style: chr11-119103189-C-T.
Other names: c.227C>T (NM_005188.2); short protein forms A76V.
Identifiers: ClinVar variation 580455 (VCV000580455.10), dbSNP rs757898729, ClinGen allele CA382894193.